The following is an entry in ClinVar:

NM_004744.5(LRAT):c.*98C>T

Gene: LRAT (lecithin retinol acyltransferase; plus strand). Cytogenetic location: 4q32.1.
Variant type: single nucleotide variant.
Coding change: c.*98C>T on transcript NM_004744.5 (MANE Select); 98 bases downstream of the stop codon, C replaced by T.
Molecular consequence: 3 prime UTR variant.
Genome position (GRCh38, 1-based): chr4:154,749,234, C>T. VCF-style: chr4-154749234-C-T. GRCh37 (hg19) VCF-style: chr4-155670386-C-T.
Other names: c.*98C>T (NM_001301645.2).
Identifiers: ClinVar variation 347852 (VCV000347852.11), dbSNP rs529360609, ClinGen allele CA10620306.

ClinVar aggregate classification (germline): Conflicting classifications of pathogenicity. Review status: criteria provided, conflicting classifications (1 of 4 stars). 3 submissions from 2 submitters: Uncertain significance (1); Likely benign (2). Last evaluated 2020-03-23.

Conditions:
Leber congenital amaurosis 14 (LCA14). Identifiers: MedGen C2750063, MONDO:0013231, OMIM 613341.
Rod-cone dystrophy. Identifiers: MedGen C4551714, HP:0000510.
Retinitis pigmentosa (RP). Identifiers: Orphanet 791, MedGen C0035334, MeSH D012174, MONDO:0019200, OMIM 268000. Inheritance: Autosomal dominant, autosomal recessive and X linked inheritance.

Allele frequency attached by ClinVar (database versions not stated): gnomAD 0.00010; TOPMed 0.00015; 1000 Genomes Project 30x 0.00953; 1000 Genomes Project 0.00998.

Submissions (3):

Diagnostics Services (NGS), CSIR - Centre For Cellular And Molecular Biology
Classification: Uncertain significance for Rod-cone dystrophy. Last evaluated: 2020-03-23. Review status: criteria provided, single submitter. Criteria: ACMG Guidelines, 2015. Collection method: clinical testing. Allele origin: unknown. Affected: yes. Observed: 1 homozygote.
Comment: The c.*98C>T variant is not present in publicly available databases like EVS and ExAC. It is present in 1000 Genomes, gnomAD and dbSNP at a low frequency (MAF<=0.0099), in heterozygous state. The variant is not present in our in-house exome database. The variant was earlier reported to ClinVar as uncertain significance in association with recessive Retinitis pigmentosa (ClinVar Accession: VCV000347852.1). In-silico pathogenicity prediction programs like MutationTaster2, CADD etc. predicted this variant to be likely deleterious. However there are no documented functional studies to prove this. Due to lack of enough evidence the variant has been classified as uncertain significance.

Illumina Laboratory Services, Illumina
Classification: Likely benign for Leber congenital amaurosis 14. Last evaluated: 2018-01-13. Review status: criteria provided, single submitter. Criteria: ICSL Variant Classification Criteria 13 December 2019. Collection method: clinical testing. Allele origin: germline.
Comment: This variant was observed in the ICSL laboratory as part of a predisposition screen in an ostensibly healthy population. It had not been previously curated by ICSL or reported in the Human Gene Mutation Database (HGMD: prior to June 1st, 2018), and was therefore a candidate for classification through an automated scoring system. Utilizing variant allele frequency, disease prevalence and penetrance estimates, and inheritance mode, an automated score was calculated to assess if this variant is too frequent to cause the disease. Based on the score and internal cut-off values, a variant classified as likely benign is not then subjected to further curation. The score for this variant resulted in a classification of likely benign for this disease.

Illumina Laboratory Services, Illumina
Classification: Likely benign for Retinitis pigmentosa. Last evaluated: 2018-01-13. Review status: criteria provided, single submitter. Criteria: ICSL Variant Classification Criteria 13 December 2019. Collection method: clinical testing. Allele origin: germline.
Comment: the same text as in the submission from Illumina Laboratory Services, Illumina above.